The following is an entry in ClinVar:

ClinVar aggregate classification (germline): Uncertain significance. Review status: criteria provided, multiple submitters, no conflicts (2 of 4 stars). 2 submissions from 2 submitters: Uncertain significance (2). Last evaluated 2023-04-30.

Conditions:
Hereditary cancer-predisposing syndrome. Also called: Neoplastic Syndromes, Hereditary; Tumor predisposition; Hereditary Cancer Syndrome; Hereditary neoplastic syndrome. Identifiers: Orphanet 140162, MedGen C0027672, MeSH D009386, MONDO:0015356.
Hereditary pheochromocytoma and paraganglioma. Also called: Hereditary pheochromocytoma-paraganglioma; Hereditary paragangliomas and pheochromocytomas; Hereditary Paraganglioma-Pheochromocytoma Syndromes. Identifiers: Orphanet 29072, MedGen C4274332, MONDO:0017366.

Allele frequency attached by ClinVar (database versions not stated): gnomAD exomes below 0.00001; ExAC 0.00001.
gnomAD v4.1: 1 of 1,613,992 alleles (0.000062%); highest among the groups gnomAD compares: South Asian, 0.0011%; no homozygotes.

Submissions (2):

Labcorp Genetics (formerly Invitae), Labcorp
Classification: Uncertain significance for Hereditary pheochromocytoma and paraganglioma. Last evaluated: 2023-04-30. Review status: criteria provided, single submitter. Criteria: Invitae Variant Classification Sherloc (09022015). Collection method: clinical testing. Allele origin: germline.
Comment: This sequence change replaces glutamic acid, which is acidic and polar, with lysine, which is basic and polar, at codon 204 of the TMEM127 protein (p.Glu204Lys). This variant is present in population databases (rs767190490, gnomAD 0.003%). This variant has not been reported in the literature in individuals affected with TMEM127-related conditions. ClinVar contains an entry for this variant (Variation ID: 1751671). An algorithm developed to predict the effect of missense changes on protein structure and function (PolyPhen-2) suggests that this variant is likely to be disruptive. In summary, the available evidence is currently insufficient to determine the role of this variant in disease. Therefore, it has been classified as a Variant of Uncertain Significance.

Ambry Genetics
Classification: Uncertain significance for Hereditary cancer-predisposing syndrome. Last evaluated: 2020-06-04. Review status: criteria provided, single submitter. Criteria: Ambry Variant Classification Scheme 2023. Collection method: clinical testing. Allele origin: germline.
Comment: The p.E204K variant (also known as c.610G>A), located in coding exon 3 of the TMEM127 gene, results from a G to A substitution at nucleotide position 610. The glutamic acid at codon 204 is replaced by lysine, an amino acid with similar properties. This amino acid position is highly conserved in available vertebrate species. In addition, this alteration is predicted to be deleterious by in silico analysis. Since supporting evidence is limited at this time, the clinical significance of this alteration remains unclear.

NM_017849.4(TMEM127):c.610G>A (p.Glu204Lys)

Gene: TMEM127 (transmembrane protein 127; minus strand). Cytogenetic location: 2q11.2.
Variant type: single nucleotide variant.
Coding change: c.610G>A on transcript NM_017849.4 (MANE Select); coding-DNA position 610, G replaced by A.
Protein change: p.Glu204Lys; replaces glutamic acid 204 with lysine.
Molecular consequence: missense variant.
Genome position (GRCh38, 1-based): chr2:96,253,915, C>T on the plus strand (G>A on the coding strand, the complement: TMEM127 is on the minus strand). VCF-style: chr2-96253915-C-T. GRCh37 (hg19) VCF-style: chr2-96919653-C-T.
Other names: c.610G>A, p.Glu204Lys (NM_001193304.3); c.358G>A, p.Glu120Lys (NM_001407282.1, NM_001407283.1); short protein forms E120K, E204K.
Identifiers: ClinVar variation 1751671 (VCV001751671.5), dbSNP rs767190490, ClinGen allele CA1777270.
Genomic context (GRCh38, chr2:96,253,915, plus strand): 5'-ATTCCGCCGGGTAGGGCTCGTTCTCTTCCATCTCTGAGAGCAGCTCCAGCGCCTGCTCCT[C>T]TTCCTCTGTGGGGTAGTGGCGCAGGAGGTTGGCTGCCGTGGCCAGGATTGAGGCTCCACC-3'
Protein context (NP_060319.1, residues 194-214): NLLRHYPTEE[Glu204Lys]EQALELLSEM